The following is an entry in ClinVar:

NM_001029896.2(WDR45):c.969_971del (p.Ile324del)

Gene: WDR45 (WD repeat domain 45; minus strand). Cytogenetic location: Xp11.23.
Variant type: Deletion.
Coding change: c.969_971del on transcript NM_001029896.2 (MANE Select); coding-DNA positions 969 to 971, 3 bases deleted (CAT; older notation c.969_971delCAT).
Protein change: p.Ile324del; deletes isoleucine 324.
Molecular consequence: inframe deletion.
Genome position (GRCh38, 1-based): chrX:49,075,138-49,075,140, ATG deleted on the plus strand (CAT on the coding strand, the reverse complement: WDR45 is on the minus strand); deleting any 3 consecutive bases within chrX:49,075,138-49,075,141 gives the same sequence; the c. name uses the placement nearest the transcript's 3' end. VCF-style (leftmost placement, unchanged base first): chrX-49075137-AATG-A. GRCh37 (hg19) VCF-style: chrX-48932796-AATG-A.
Other names: c.972_974del, p.Ile325del (NM_007075.4); short protein forms I324del, I325del.
Identifiers: ClinVar variation 3369180 (VCV003369180.1).

ClinVar aggregate classification (germline): Uncertain significance (1 of 4 stars; one submission).

Submission:

GeneDx
Classification: Uncertain significance. Last evaluated: 2024-02-12. Review status: criteria provided, single submitter. Criteria: GeneDx Variant Classification Process June 2021. Collection method: clinical testing. Allele origin: germline. Affected: yes.
Comment: Not observed at significant frequency in large population cohorts (gnomAD); In-frame deletion of 1 amino acid in a non-repeat region; Has not been previously published as pathogenic or benign to our knowledge